The following is an entry in ClinVar:

NM_017649.5(CNNM2):c.1515C>T (p.Pro505=)

Gene: CNNM2 (cyclin and CBS domain divalent metal cation transport mediator 2; plus strand). Cytogenetic location: 10q24.32.
Variant type: single nucleotide variant.
Coding change: c.1515C>T on transcript NM_017649.5 (MANE Select); coding-DNA position 1515, C replaced by T.
Protein change: p.Pro505=; no amino-acid change (proline 505 retained).
Molecular consequence: synonymous variant.
Genome position (GRCh38, 1-based): chr10:102,919,995, C>T. VCF-style: chr10-102919995-C-T. GRCh37 (hg19) VCF-style: chr10-104679752-C-T.
Other names: c.1515C>T, p.Pro505= (NM_199076.3, NM_199077.3).
Identifiers: ClinVar variation 298642 (VCV000298642.56), dbSNP rs144140948, ClinGen allele CA5670381.

ClinVar aggregate classification (germline): Benign/Likely benign. Review status: criteria provided, multiple submitters, no conflicts (2 of 4 stars). 5 submissions from 5 submitters: Benign (3); Likely benign (2). Last evaluated 2026-05-05.

Conditions:
Renal hypomagnesemia 6. Identifiers: Orphanet 34527, MedGen C3151295, MONDO:0013480, OMIM 613882.

Allele frequency attached by ClinVar (database versions not stated): gnomAD 0.00025 and 0.00026; TOPMed 0.00028; gnomAD exomes 0.00032 and 0.00051; ExAC 0.00033; ESP Exome Variant Server 0.00054.
gnomAD v4.1: 759 of 1,614,096 alleles (0.047%); highest among the groups gnomAD compares: Non-Finnish European, 0.063%; 1 homozygote.

Submissions (5):

Revvity Omics, Revvity
Classification: Benign. Last evaluated: 2026-05-05. Review status: criteria provided, single submitter. Criteria: ACMG Guidelines, 2015. Collection method: clinical testing. Allele origin: germline.

CeGaT Center for Human Genetics Tuebingen
Classification: Likely benign. Last evaluated: 2026-01-01. Review status: criteria provided, single submitter. Criteria: CeGaT Center For Human Genetics Tuebingen Variant Classification Criteria Version 2. Collection method: clinical testing. Allele origin: germline. Affected: yes. Observed: 12 variant alleles.
Comment: CNNM2: BP4, BP7

Labcorp Genetics (formerly Invitae), Labcorp
Classification: Benign. Last evaluated: 2025-12-08. Review status: criteria provided, single submitter. Criteria: Invitae Variant Classification Sherloc (09022015). Collection method: clinical testing. Allele origin: germline.

Blueprint Genetics
Classification: Likely benign. Last evaluated: 2024-11-19. Review status: criteria provided, single submitter. Criteria: ACMG Guidelines, 2015. Collection method: clinical testing. Allele origin: germline.

Illumina Laboratory Services, Illumina
Classification: Benign for Renal hypomagnesemia 6. Last evaluated: 2018-01-12. Review status: criteria provided, single submitter. Criteria: ICSL Variant Classification Criteria 13 December 2019. Collection method: clinical testing. Allele origin: germline.
Comment: This variant was observed in the ICSL laboratory as part of a predisposition screen in an ostensibly healthy population. It had not been previously curated by ICSL or reported in the Human Gene Mutation Database (HGMD: prior to June 1st, 2018), and was therefore a candidate for classification through an automated scoring system. Utilizing variant allele frequency, disease prevalence and penetrance estimates, and inheritance mode, an automated score was calculated to assess if this variant is too frequent to cause the disease. Based on the score and internal cut-off values, a variant classified as benign is not then subjected to further curation. The score for this variant resulted in a classification of benign for this disease.